The following is an entry in ClinVar:

ClinVar aggregate classification (germline): Uncertain significance. Review status: criteria provided, multiple submitters, no conflicts (2 of 4 stars). 2 submissions from 2 submitters: Uncertain significance (2). Last evaluated 2025-01-08.

Conditions:
Hereditary cancer-predisposing syndrome. Also called: Hereditary Cancer Syndrome; Hereditary neoplastic syndrome; Neoplastic Syndromes, Hereditary; Tumor predisposition. Identifiers: Orphanet 140162, MedGen C0027672, MeSH D009386, MONDO:0015356.

Submissions (2):

Ambry Genetics
Classification: Uncertain significance for Hereditary cancer-predisposing syndrome. Last evaluated: 2025-01-08. Review status: criteria provided, single submitter. Criteria: Ambry Variant Classification Scheme 2023. Collection method: clinical testing. Allele origin: germline.
Comment: The p.N481S variant (also known as c.1442A>G), located in coding exon 10 of the CDH1 gene, results from an A to G substitution at nucleotide position 1442. The asparagine at codon 481 is replaced by serine, an amino acid with highly similar properties. This amino acid position is highly conserved in available vertebrate species. In addition, the in silico prediction for this alteration is inconclusive. Based on the available evidence, the clinical significance of this variant remains unclear.

GeneDx
Classification: Uncertain significance. Last evaluated: 2022-11-22. Review status: criteria provided, single submitter. Criteria: GeneDx Variant Classification Process June 2021. Collection method: clinical testing. Allele origin: germline. Affected: yes.
Comment: Not observed at significant frequency in large population cohorts (gnomAD); In silico analysis supports that this missense variant has a deleterious effect on protein structure/function; Has not been previously published as pathogenic or benign to our knowledge; This variant is associated with the following publications: (PMID: 15235021, 22850631)

NM_004360.5(CDH1):c.1442A>G (p.Asn481Ser)

Gene: CDH1 (cadherin 1; plus strand). Cytogenetic location: 16q22.1.
Variant type: single nucleotide variant.
Coding change: c.1442A>G on transcript NM_004360.5 (MANE Select); coding-DNA position 1442, A replaced by G.
Protein change: p.Asn481Ser; replaces asparagine 481 with serine.
Molecular consequence: missense variant. On other transcripts: 5 prime UTR variant (2).
Genome position (GRCh38, 1-based): chr16:68,815,636, A>G. VCF-style: chr16-68815636-A-G. GRCh37 (hg19) VCF-style: chr16-68849539-A-G.
Other names: c.1259A>G, p.Asn420Ser (NM_001317184.2); c.-107A>G (NM_001317185.2); c.-378A>G (NM_001317186.2); short protein forms N420S, N481S.
Identifiers: ClinVar variation 2502636 (VCV002502636.2), dbSNP rs2152134921, ClinGen allele CA396463033.